The following is an entry in ClinVar:

NM_152703.5(SAMD9L):c.1958T>C (p.Leu653Ser)

Gene: SAMD9L (sterile alpha motif domain containing 9 like; minus strand). Cytogenetic location: 7q21.2.
Variant type: single nucleotide variant.
Coding change: c.1958T>C on transcript NM_152703.5 (MANE Select); coding-DNA position 1958, T replaced by C.
Protein change: p.Leu653Ser; replaces leucine 653 with serine.
Molecular consequence: missense variant.
Genome position (GRCh38, 1-based): chr7:93,134,014, A>G on the plus strand (T>C on the coding strand, the complement: SAMD9L is on the minus strand). VCF-style: chr7-93134014-A-G. GRCh37 (hg19) VCF-style: chr7-92763327-A-G.
Other names: c.1958T>C, p.Leu653Ser (NM_001303496.3, NM_001303497.3, NM_001303498.3 and 5 more transcripts); short protein forms L653S.
Identifiers: ClinVar variation 3437246 (VCV003437246.1).

ClinVar aggregate classification (germline): Uncertain significance (1 of 4 stars; one submission).

Conditions:
Inborn genetic diseases. Identifiers: MedGen C0950123, MeSH D030342.

Submission:

Ambry Genetics
Classification: Uncertain significance for Inborn genetic diseases. Last evaluated: 2024-12-08. Review status: criteria provided, single submitter. Criteria: Ambry Variant Classification Scheme 2023. Collection method: clinical testing. Allele origin: germline.
Comment: The p.L653S variant (also known as c.1958T>C), located in coding exon 1 of the SAMD9L gene, results from a T to C substitution at nucleotide position 1958. The leucine at codon 653 is replaced by serine, an amino acid with dissimilar properties. This amino acid position is conserved. In addition, this alteration is predicted to be tolerated by in silico analysis. Based on the available evidence, the clinical significance of this variant remains unclear.